The following is an entry in ClinVar:

NM_020297.4(ABCC9):c.1874C>T (p.Ser625Leu)

Gene: ABCC9 (ATP binding cassette subfamily C member 9; minus strand). Cytogenetic location: 12p12.1.
Variant type: single nucleotide variant.
Coding change: c.1874C>T on transcript NM_020297.4 (MANE Select); coding-DNA position 1874, C replaced by T.
Protein change: p.Ser625Leu; replaces serine 625 with leucine.
Molecular consequence: missense variant.
Genome position (GRCh38, 1-based): chr12:21,887,863, G>A on the plus strand (C>T on the coding strand, the complement: ABCC9 is on the minus strand). VCF-style: chr12-21887863-G-A. GRCh37 (hg19) VCF-style: chr12-22040797-G-A.
Other names: c.1874C>T, p.Ser625Leu (NM_001377273.1, NM_005691.4); c.1010C>T, p.Ser337Leu (NM_001377274.1); c.1874C>T (NM_020297.2); short protein forms S625L, S337L.
Identifiers: ClinVar variation 658425 (VCV000658425.13), dbSNP rs75460545, ClinGen allele CA6481569.

ClinVar aggregate classification (germline): Conflicting classifications of pathogenicity. Review status: criteria provided, conflicting classifications (1 of 4 stars). 4 submissions from 4 submitters: Uncertain significance (3); Likely benign (1). Last evaluated 2026-03-10.

Conditions:
Cardiovascular phenotype. Identifiers: MedGen CN230736.
Dilated cardiomyopathy 1O (CMD1O). Also called: CARDIOMYOPATHY, DILATED, WITH VENTRICULAR TACHYCARDIA. Identifiers: Orphanet 154, MedGen C1837839, MONDO:0012062, OMIM 608569.

Allele frequency attached by ClinVar (database versions not stated): gnomAD 0.00001 and 0.00002; gnomAD exomes 0.00001 and 0.00002; ExAC 0.00002; TOPMed 0.00002; 1000 Genomes Project 0.00020; 1000 Genomes Project 30x 0.00031.
gnomAD v4.1: 17 of 1,613,370 alleles (0.0011%); highest among the groups gnomAD compares: African/African-American, 0.0053%; no homozygotes.

Submissions (4):

GeneDx
Classification: Uncertain significance. Last evaluated: 2026-03-10. Review status: criteria provided, single submitter. Criteria: GeneDx Variant Classification Process June 2021. Collection method: clinical testing. Allele origin: germline.
Comment: Not observed at significant frequency in large population cohorts (gnomAD); In silico analysis suggests that this missense variant does not alter protein structure/function; Has not been previously published as pathogenic or benign to our knowledge

Labcorp Genetics (formerly Invitae), Labcorp
Classification: Uncertain significance for Dilated cardiomyopathy 1O. Last evaluated: 2026-01-12. Review status: criteria provided, single submitter. Criteria: Invitae Variant Classification Sherloc (09022015). Collection method: clinical testing. Allele origin: germline.
Comment: This sequence change replaces serine, which is neutral and polar, with leucine, which is neutral and non-polar, at codon 625 of the ABCC9 protein (p.Ser625Leu). This variant is present in population databases (rs75460545, gnomAD 0.004%). This variant has not been reported in the literature in individuals affected with ABCC9-related conditions. ClinVar contains an entry for this variant (Variation ID: 658425). Invitae Evidence Modeling of protein sequence and biophysical properties (such as structural, functional, and spatial information, amino acid conservation, physicochemical variation, residue mobility, and thermodynamic stability) has been performed for this missense variant. However, the output from this modeling did not meet the statistical confidence thresholds required to predict the impact of this variant on ABCC9 protein function. In summary, the available evidence is currently insufficient to determine the role of this variant in disease. Therefore, it has been classified as a Variant of Uncertain Significance.

Ambry Genetics
Classification: Uncertain significance for Cardiovascular phenotype. Last evaluated: 2024-11-29. Review status: criteria provided, single submitter. Criteria: Ambry Variant Classification Scheme 2023. Collection method: clinical testing. Allele origin: germline.
Comment: The p.S625L variant (also known as c.1874C>T), located in coding exon 13 of the ABCC9 gene, results from a C to T substitution at nucleotide position 1874. The serine at codon 625 is replaced by leucine, an amino acid with dissimilar properties. This amino acid position is not well conserved in available vertebrate species. In addition, the in silico prediction for this alteration is inconclusive. Based on the available evidence, the clinical significance of this variant remains unclear.

Blueprint Genetics
Classification: Likely benign. Last evaluated: 2018-07-09. Review status: criteria provided, single submitter. Criteria: ACMG Guidelines, 2015. Collection method: clinical testing. Allele origin: germline.